The following is an entry in ClinVar:

NM_000059.4(BRCA2):c.3181A>G (p.Lys1061Glu)

Gene: BRCA2 (BRCA2 DNA repair associated; plus strand). Cytogenetic location: 13q13.1.
Variant type: single nucleotide variant.
Coding change: c.3181A>G on transcript NM_000059.4 (MANE Select); coding-DNA position 3181, A replaced by G.
Protein change: p.Lys1061Glu; replaces lysine 1061 with glutamic acid.
Molecular consequence: missense variant. On other transcripts: non-coding transcript variant (1), intron variant (2).
Genome position (GRCh38, 1-based): chr13:32,337,536, A>G. VCF-style: chr13-32337536-A-G. GRCh37 (hg19) VCF-style: chr13-32911673-A-G.
Other names: c.3181A>G, p.Lys1061Glu (NM_001406719.1, NM_001406720.1); c.1909+4149A>G (NM_001406721.1); c.424+6506A>G (NM_001406722.1); short protein forms K1061E.
Identifiers: ClinVar variation 2738150 (VCV002738150.3), dbSNP rs2137494034, ClinGen allele CA387775828.
Genomic context (GRCh38, chr13:32,337,536, plus strand): 5'-AGTTTAGCTTGTGTTGAAATTGTAAATACCTTGGCATTAGATAATCAAAAGAAACTGAGC[A>G]AGCCTCAGTCAATTAATACTGTATCTGCACATTTACAGAGTAGTGTAGTTGTTTCTGATT-3'
Protein context (NP_000050.3, residues 1051-1071): LALDNQKKLS[Lys1061Glu]PQSINTVSAH

ClinVar aggregate classification (germline): Uncertain significance (1 of 4 stars; one submission).

Conditions:
Hereditary breast ovarian cancer syndrome. Also called: BRCA1- and BRCA2-Associated Hereditary Breast and Ovarian Cancer; Hereditary breast and ovarian cancer syndrome; Hereditary breast and ovarian cancer syndrome (HBOC); Hereditary breast and/or ovarian cancer syndrome; Breast and ovarian cancer; Hereditary breast and ovarian cancer. Identifiers: Orphanet 145, MedGen C0677776, MeSH D061325, MONDO:0003582. Disease mechanism: loss of function.

Submission:

Labcorp Genetics (formerly Invitae), Labcorp
Classification: Uncertain significance for Hereditary breast ovarian cancer syndrome. Last evaluated: 2023-07-08. Review status: criteria provided, single submitter. Criteria: Invitae Variant Classification Sherloc (09022015). Collection method: clinical testing. Allele origin: germline.
Comment: This variant is not present in population databases (gnomAD no frequency). In summary, the available evidence is currently insufficient to determine the role of this variant in disease. Therefore, it has been classified as a Variant of Uncertain Significance. Advanced modeling of protein sequence and biophysical properties (such as structural, functional, and spatial information, amino acid conservation, physicochemical variation, residue mobility, and thermodynamic stability) performed at Invitae indicates that this missense variant is not expected to disrupt BRCA2 protein function. This variant has not been reported in the literature in individuals affected with BRCA2-related conditions. This sequence change replaces lysine, which is basic and polar, with glutamic acid, which is acidic and polar, at codon 1061 of the BRCA2 protein (p.Lys1061Glu).